The following is an entry in ClinVar:

NM_001165963.4(SCN1A):c.1192del (p.Thr398fs)

Gene: SCN1A (sodium voltage-gated channel alpha subunit 1; minus strand). Cytogenetic location: 2q24.3.
Variant type: Deletion.
Coding change: c.1192del on transcript NM_001165963.4 (MANE Select); coding-DNA position 1192, one base deleted (A; older notation c.1192delA).
Protein change: p.Thr398fs; shifts the reading frame from threonine 398.
Molecular consequence: frameshift variant. On other transcripts: 5 prime UTR variant (1), non-coding transcript variant (1).
Genome position (GRCh38, 1-based): chr2:166,046,955, T deleted on the plus strand (A on the coding strand, the reverse complement: SCN1A is on the minus strand); the first of 4 consecutive T bases (chr2:166,046,955-166,046,958); deleting any one gives the same sequence. VCF-style (leftmost placement, unchanged base first): chr2-166046954-GT-G. GRCh37 (hg19) VCF-style: chr2-166903464-GT-G.
Other names: c.1192del, p.Thr398fs (NM_001165964.3, NM_001202435.3, NM_001353948.2 and 10 more transcripts); c.-1234del (NM_001353961.2); short protein forms T398fs.
Identifiers: ClinVar variation 206893 (VCV000206893.1), dbSNP rs796053055, ClinGen allele CA317699.

ClinVar aggregate classification (germline): Pathogenic (1 of 4 stars; one submission).

Submission:

GeneDx
Classification: Pathogenic. Last evaluated: 2012-05-08. Review status: criteria provided, single submitter. Criteria: GeneDx Variant Classification (06012015). Collection method: clinical testing. Allele origin: germline. Affected: yes.
Comment: p.Thr398ArgfsX3: c.1192delA in exon 9 of the SCN1A gene (NM_001165963.1) The c.1192delA mutation in the SCN1A gene causes a frameshift starting with codon Threonine 398, changes this amino acid to an Arginine residue and creates a premature Stop codon at position 3 of the new reading frame, denoted p.Thr398ArgfsX3. This mutation is predicted to cause loss of normal protein function either through protein truncation or nonsense-mediated mRNA decay. Although this mutation has not been previously reported to our knowledge, its presence is consistent with a diagnosis of an SCN1A-related disorder. The variant is found in EPILEPSY panel(s).